The following is an entry in ClinVar:

ClinVar aggregate classification (germline): Likely pathogenic (1 of 4 stars; one submission).

Conditions:
Hypertrophic cardiomyopathy. Also called: HYPERTROPHIC MYOCARDIOPATHY. Identifiers: Orphanet 217569, MedGen C0007194, MeSH D002312, MONDO:0005045, HP:0001639.

Submission:

Labcorp Genetics (formerly Invitae), Labcorp
Classification: Likely pathogenic for Hypertrophic cardiomyopathy. Last evaluated: 2022-11-11. Review status: criteria provided, single submitter. Criteria: Invitae Variant Classification Sherloc (09022015). Collection method: clinical testing. Allele origin: germline.
Comment: This variant is not present in population databases (gnomAD no frequency). Disruption of this splice site has been observed in individual(s) with clinical features of MYH7-related conditions (Invitae). In at least one individual the variant was observed to be de novo. ClinVar contains an entry for this variant (Variation ID: 1393211). Algorithms developed to predict the effect of sequence changes on RNA splicing suggest that this variant may disrupt the consensus splice site. In summary, the currently available evidence indicates that the variant is pathogenic, but additional data are needed to prove that conclusively. Therefore, this variant has been classified as Likely Pathogenic. This sequence change affects a splice site in intron 32 of the MYH7 gene. It is expected to disrupt RNA splicing. Variants that disrupt the donor or acceptor splice site typically lead to a loss of protein function (PMID: 16199547), however the current clinical and genetic evidence is not sufficient to establish whether loss-of-function variants in MYH7 cause disease.

Literature cited by the submitters: PubMed 16199547.

NM_000257.4(MYH7):c.4520-2del

Genes: MHRT (myosin heavy chain associated RNA transcript; plus strand), MYH7 (myosin heavy chain 7; minus strand). Cytogenetic location: 14q11.2.
Variant type: Deletion.
Coding change: c.4520-2del on transcript NM_000257.4 (MANE Select); the canonical splice acceptor site of the intron before coding-DNA position 4520, one base deleted (A; older notation c.4520-2delA).
Molecular consequence: splice acceptor variant. On other transcripts: non-coding transcript variant (1).
Genome position (GRCh38, 1-based): chr14:23,416,994, T deleted on the plus strand (A on the coding strand, the reverse complement: MYH7 is on the minus strand). VCF-style (leftmost placement, unchanged base first): chr14-23416993-CT-C. GRCh37 (hg19) VCF-style: chr14-23886202-CT-C.
Other names: c.4520-2del (NM_001407004.1).
Identifiers: ClinVar variation 1393211 (VCV001393211.8), dbSNP rs2138644623, ClinGen allele CA2573149773.
Genomic context (GRCh38, chr14:23,416,993, plus strand): 5'-CCAGCTCATGGATAGTCTTTCCGCTGGAACCCAACTGCTCAGTCAAGTCGGAGATCTCCT[CT>C]GTGTGGGGAACACGGTAACTCGGTTGAGGGCTGCTGAGGTCCAGTGGAGTTGGAGGGACA-3'